The following is an entry in ClinVar:

ClinVar aggregate classification (germline): Uncertain significance. Review status: criteria provided, multiple submitters, no conflicts (2 of 4 stars). 3 submissions from 3 submitters: Uncertain significance (3). Last evaluated 2024-12-30.

Conditions:
Isolated focal cortical dysplasia type II (FCORD2). Also called: Focal cortical dysplasia type II; CORTICAL DYSPLASIA OF TAYLOR. Identifiers: Orphanet 268994, MedGen C1846385, MONDO:0011818, OMIM 607341, HP:0032051.
Tuberous sclerosis 2 (TSC2). Identifiers: Orphanet 805, MedGen C1860707, MONDO:0013199, OMIM 613254.

Allele frequency attached by ClinVar (database versions not stated): TOPMed below 0.00001.

Submissions (3):

Labcorp Genetics (formerly Invitae), Labcorp
Classification: Uncertain significance for Tuberous sclerosis 2. Last evaluated: 2024-12-30. Review status: criteria provided, single submitter. Criteria: Invitae Variant Classification Sherloc (09022015). Collection method: clinical testing. Allele origin: germline.
Comment: This sequence change replaces threonine, which is neutral and polar, with proline, which is neutral and non-polar, at codon 1733 of the TSC2 protein (p.Thr1733Pro). This variant is not present in population databases (gnomAD no frequency). This variant has not been reported in the literature in individuals affected with TSC2-related conditions. ClinVar contains an entry for this variant (Variation ID: 951296). Invitae Evidence Modeling of protein sequence and biophysical properties (such as structural, functional, and spatial information, amino acid conservation, physicochemical variation, residue mobility, and thermodynamic stability) indicates that this missense variant is not expected to disrupt TSC2 protein function with a negative predictive value of 95%. In summary, the available evidence is currently insufficient to determine the role of this variant in disease. Therefore, it has been classified as a Variant of Uncertain Significance.

Baylor Genetics
Classification: Uncertain significance for Isolated focal cortical dysplasia type II. Last evaluated: 2023-06-30. Review status: criteria provided, single submitter. Criteria: ACMG Guidelines, 2015. Collection method: clinical testing. Allele origin: unknown.

GeneDx
Classification: Uncertain significance. Last evaluated: 2023-02-15. Review status: criteria provided, single submitter. Criteria: GeneDx Variant Classification Process June 2021. Collection method: clinical testing. Allele origin: germline. Affected: yes.
Comment: Not observed at significant frequency in large population cohorts (gnomAD); In silico analysis supports that this missense variant does not alter protein structure/function; Has not been previously published as pathogenic or benign to our knowledge

NM_000548.5(TSC2):c.5197A>C (p.Thr1733Pro)

Gene: TSC2 (TSC complex subunit 2; plus strand). Cytogenetic location: 16p13.3.
Variant type: single nucleotide variant.
Coding change: c.5197A>C on transcript NM_000548.5 (MANE Select); coding-DNA position 5197, A replaced by C.
Protein change: p.Thr1733Pro; replaces threonine 1733 with proline.
Molecular consequence: missense variant.
Genome position (GRCh38, 1-based): chr16:2,088,263, A>C. VCF-style: chr16-2088263-A-C. GRCh37 (hg19) VCF-style: chr16-2138264-A-C.
Other names: c.4996A>C, p.Thr1666Pro (NM_001077183.3); c.5128A>C, p.Thr1710Pro (NM_001114382.3); c.4888A>C, p.Thr1630Pro (NM_001318827.2); c.4852A>C, p.Thr1618Pro (NM_001318829.2); c.4465A>C, p.Thr1489Pro (NM_001318831.2); c.5029A>C, p.Thr1677Pro (NM_001318832.2); c.4999A>C, p.Thr1667Pro (NM_001363528.2); c.5065A>C, p.Thr1689Pro (NM_001370404.1); and 2 more; short protein forms T1489P, T1630P, T1666P, T1667P, T1686P, T1689P, T1618P, T1690P.
Identifiers: ClinVar variation 951296 (VCV000951296.11), dbSNP rs1596460327, ClinGen allele CA394314222.